The following is an entry in ClinVar:

NM_000059.4(BRCA2):c.8353C>G (p.Pro2785Ala)

Gene: BRCA2 (BRCA2 DNA repair associated; plus strand). Cytogenetic location: 13q13.1.
Variant type: single nucleotide variant.
Coding change: c.8353C>G on transcript NM_000059.4 (MANE Select); coding-DNA position 8353, C replaced by G.
Protein change: p.Pro2785Ala; replaces proline 2785 with alanine.
Molecular consequence: missense variant.
Genome position (GRCh38, 1-based): chr13:32,370,423, C>G. VCF-style: chr13-32370423-C-G. GRCh37 (hg19) VCF-style: chr13-32944560-C-G.
Other names: short protein forms P2785A.
Identifiers: ClinVar variation 1331396 (VCV001331396.2), dbSNP rs786202287, ClinGen allele CA387752393.

ClinVar aggregate classification (germline): Uncertain significance. Review status: criteria provided, multiple submitters, no conflicts (2 of 4 stars). 2 submissions from 2 submitters: Uncertain significance (2). Last evaluated 2023-06-28.

Conditions:
Breast-ovarian cancer, familial, susceptibility to, 2 (BROVCA2). Also called: BRCA2 Hereditary Breast and Ovarian Cancer. Identifiers: Orphanet 145, MedGen C2675520, MONDO:0012933, OMIM 612555. Disease mechanism: loss of function.

Submissions (2):

All of Us Research Program, National Institutes of Health
Classification: Uncertain significance for Breast-ovarian cancer, familial, susceptibility to, 2. Last evaluated: 2023-06-28. Review status: criteria provided, single submitter. Criteria: ACMG Guidelines, 2015. Collection method: clinical testing. Allele origin: germline. Inheritance: Autosomal dominant inheritance. Observed: 1 variant allele, 1 heterozygote.
Comment: This study involves interpretation of variants in research participants for the purpose of population health screening. Participant phenotype was not available at the time of variant classification. Additional details can be found in publication PMID: 35346344, PMCID: PMC8962531

Women's Health and Genetics/Laboratory Corporation of America, LabCorp
Classification: Uncertain significance. Last evaluated: 2021-12-14. Review status: criteria provided, single submitter. Criteria: LabCorp Variant Classification Summary - May 2015. Collection method: clinical testing. Allele origin: germline.
Comment: Variant summary: BRCA2 c.8353C>G (p.Pro2785Ala) results in a non-conservative amino acid change located in the BRCA2, OB1 domain (IPR015187) of the encoded protein sequence. Five of five in-silico tools predict a damaging effect of the variant on protein function. The variant was absent in 251430 control chromosomes. The available data on variant occurrences in the general population are insufficient to allow any conclusion about variant significance. To our knowledge, no occurrence of c.8353C>G in individuals affected with Hereditary Breast And Ovarian Cancer Syndrome and no experimental evidence demonstrating its impact on protein function have been reported. No clinical diagnostic laboratories have submitted clinical-significance assessments for this variant to ClinVar after 2014. Based on the evidence outlined above, the variant was classified as uncertain significance.